The following is an entry in ClinVar:

NM_000459.5(TEK):c.882G>C (p.Lys294Asn)

Gene: TEK (TEK receptor tyrosine kinase; plus strand). Cytogenetic location: 9p21.2.
Variant type: single nucleotide variant.
Coding change: c.882G>C on transcript NM_000459.5 (MANE Select); coding-DNA position 882, G replaced by C.
Protein change: p.Lys294Asn; replaces lysine 294 with asparagine.
Molecular consequence: missense variant.
Genome position (GRCh38, 1-based): chr9:27,173,343, G>C. VCF-style: chr9-27173343-G-C. GRCh37 (hg19) VCF-style: chr9-27173341-G-C.
Other names: c.882G>C, p.Lys294Asn (NM_001290077.2, NM_001375475.1, NM_001375476.1); c.570G>C, p.Lys190Asn (NM_001290078.2); short protein forms K190N, K294N.
Identifiers: ClinVar variation 914145 (VCV000914145.5), dbSNP rs146169480, ClinGen allele CA5016039.
Genomic context (GRCh38, chr9:27,173,343, plus strand): 5'-CAAGTCTTATGTGTTCTGTCTCCCTGACCCCTATGGGTGTTCCTGTGCCACAGGCTGGAA[G>C]GGTCTGCAGTGCAATGAAGGTATGCACCAATCACACCCTTGGACAGAGGATGTTCTAGCA-3'
Protein context (NP_000450.3, residues 284-304): PYGCSCATGW[Lys294Asn]GLQCNEACHP

ClinVar aggregate classification (germline): Conflicting classifications of pathogenicity. Review status: criteria provided, conflicting classifications (1 of 4 stars). 2 submissions from 2 submitters: Uncertain significance (1); Benign (1). Last evaluated 2021-07-30.

Conditions:
Glaucoma 3, primary congenital, E (GLC3E). Identifiers: MedGen C4310639, MONDO:0014998, OMIM 617272.
Glaucoma 3, primary infantile, B. Also called: GLAUCOMA, PRIMARY CONGENITAL, TYPE B; GLC3B; GLC3 type B; Primary congenital glaucoma type 3B; Glaucoma primary congenita type 3B. Identifiers: Orphanet 98976, MedGen C1832977, MONDO:0010968, OMIM 600975.
Multiple cutaneous and mucosal venous malformations (VMCM). Also called: TEK-Related Multiple Cutaneous and Mucosal Venous Malformations (VMCM). Identifiers: Orphanet 2451, MedGen C1838437, MONDO:0010842, OMIM 600195.

Allele frequency attached by ClinVar (database versions not stated): ExAC 0.00010; gnomAD 0.00015 and 0.00014; gnomAD exomes 0.00012 and 0.00025; TOPMed 0.00012; ESP Exome Variant Server 0.00031.
gnomAD v4.1: 375 of 1,613,864 alleles (0.023%); highest among the groups gnomAD compares: Non-Finnish European, 0.03%; no homozygotes.

Submissions (2):

Department of Pathology and Laboratory Medicine, Sinai Health System
Classification: Uncertain significance for Multiple cutaneous and mucosal venous malformations; Glaucoma 3, primary infantile, B; Glaucoma 3, primary congenital, E. Last evaluated: 2021-07-30. Review status: criteria provided, single submitter. Criteria: ACMG Guidelines, 2015. Collection method: research. Allele origin: germline.

Illumina Laboratory Services, Illumina
Classification: Benign for Multiple cutaneous and mucosal venous malformations. Last evaluated: 2017-05-05. Review status: criteria provided, single submitter. Criteria: ICSL Variant Classification Criteria 13 December 2019. Collection method: clinical testing. Allele origin: germline.
Comment: This variant was observed as part of a predisposition screen in an ostensibly healthy population. A literature search was performed for the gene, cDNA change, and amino acid change (where applicable). Publications were found based on this search. The evidence from the literature, in combination with allele frequency data from public databases where available, was sufficient to rule this variant out of causing disease. Therefore, this variant is classified as benign.

Literature cited by the submitters: PubMed 27270174 (cited by Illumina Laboratory Services, Illumina).